The following is an entry in ClinVar:

NM_005477.3(HCN4):c.2399G>A (p.Arg800His)

Gene: HCN4 (hyperpolarization activated cyclic nucleotide gated potassium channel 4; minus strand). Cytogenetic location: 15q24.1.
Variant type: single nucleotide variant.
Coding change: c.2399G>A on transcript NM_005477.3 (MANE Select); coding-DNA position 2399, G replaced by A.
Protein change: p.Arg800His; replaces arginine 800 with histidine.
Molecular consequence: missense variant.
Genome position (GRCh38, 1-based): chr15:73,323,694, C>T on the plus strand (G>A on the coding strand, the complement: HCN4 is on the minus strand). VCF-style: chr15-73323694-C-T. GRCh37 (hg19) VCF-style: chr15-73616035-C-T.
Other names: short protein forms R800H.
Identifiers: ClinVar variation 426219 (VCV000426219.12), dbSNP rs375180021, ClinGen allele CA7649035.
Genomic context (GRCh38, chr15:73,323,694, plus strand): 5'-CCGGCACCGAGGTTGCCCAGCCCAGATCCTGGGGGAGGGCGGAAGATGGCAGCAGGCAGG[C>T]GAGGGTGGTGGGTGAGGGCTATGGCCACAGAAGTGGTGGCAGCGGCAGCCTGCAGTGGTG-3'
Protein context (NP_005468.1, residues 790-810): SVAIALTHHP[Arg800His]LPAAIFRPPP

ClinVar aggregate classification (germline): Conflicting classifications of pathogenicity. Review status: criteria provided, conflicting classifications (1 of 4 stars). 4 submissions from 4 submitters: Uncertain significance (3); Likely benign (1). Last evaluated 2025-04-29.

Conditions:
Brugada syndrome 8 (BRGDA8). Identifiers: Orphanet 130, MedGen C2751083, MONDO:0013148, OMIM 613123.
Cardiovascular phenotype. Identifiers: MedGen CN230736.
Cardiomyopathy (CMYO). Also called: Cardiomyopathies. Identifiers: Orphanet 167848, MedGen C0878544, MONDO:0004994, HP:0001638. Inheritance: Various modes of inheritance.

Allele frequency attached by ClinVar (database versions not stated): TOPMed 0.00003; ESP Exome Variant Server 0.00008; gnomAD 0.00001; ExAC 0.00002.
gnomAD v4.1: 6 of 1,593,472 alleles (0.00038%); highest among the groups gnomAD compares: East Asian, 0.0022%; no homozygotes.

Submissions (4):

Labcorp Genetics (formerly Invitae), Labcorp
Classification: Uncertain significance for Brugada syndrome 8. Last evaluated: 2025-04-29. Review status: criteria provided, single submitter. Criteria: Invitae Variant Classification Sherloc (09022015). Collection method: clinical testing. Allele origin: germline.
Comment: This sequence change replaces arginine, which is basic and polar, with histidine, which is basic and polar, at codon 800 of the HCN4 protein (p.Arg800His). This variant is present in population databases (rs375180021, gnomAD 0.007%). This variant has not been reported in the literature in individuals affected with HCN4-related conditions. ClinVar contains an entry for this variant (Variation ID: 426219). Invitae Evidence Modeling of protein sequence and biophysical properties (such as structural, functional, and spatial information, amino acid conservation, physicochemical variation, residue mobility, and thermodynamic stability) indicates that this missense variant is not expected to disrupt HCN4 protein function with a negative predictive value of 95%. In summary, the available evidence is currently insufficient to determine the role of this variant in disease. Therefore, it has been classified as a Variant of Uncertain Significance.

Ambry Genetics
Classification: Uncertain significance for Cardiovascular phenotype. Last evaluated: 2021-08-09. Review status: criteria provided, single submitter. Criteria: Ambry Variant Classification Scheme 2023. Collection method: clinical testing. Allele origin: germline.

Center for Advanced Laboratory Medicine, UC San Diego Health, University of California San Diego
Classification: Likely benign for Cardiomyopathy. Last evaluated: 2018-05-02. Review status: criteria provided, single submitter. Criteria: ACMG Guidelines, 2015. Collection method: clinical testing. Allele origin: germline. Affected: yes. Observed: 1 variant allele.

GeneDx
Classification: Uncertain significance. Last evaluated: 2017-04-25. Review status: criteria provided, single submitter. Criteria: GeneDx Variant Classification (06012015). Collection method: clinical testing. Allele origin: germline. Affected: yes.
Comment: A variant of uncertain significance has been identified in the HCN4 gene. The R800H variant has not been published as pathogenic or been reported as benign to our knowledge. This variant is not observed at a significant frequency in large population cohorts (Lek et al., 2016; 1000 Genomes Consortium et al., 2015; Exome Variant Server). However, the R800H variant is a conservative amino acid substitution, which is not likely to impact secondary protein structure as these residues share similar properties. This substitution occurs at a position that is only conserved in mammals and in silico analysis is inconsistent in its predictions as to whether or not the variant is damaging to the protein structure/function.